The following is an entry in ClinVar:

NM_000321.3(RB1):c.2663+10A>G

Gene: RB1 (RB transcriptional corepressor 1; plus strand). Cytogenetic location: 13q14.2.
Variant type: single nucleotide variant.
Coding change: c.2663+10A>G on transcript NM_000321.3 (MANE Select); 10 bases into the intron after coding-DNA position 2663, A replaced by G.
Molecular consequence: intron variant.
Genome position (GRCh38, 1-based): chr13:48,476,853, A>G. VCF-style: chr13-48476853-A-G. GRCh37 (hg19) VCF-style: chr13-49050989-A-G.
Other names: c.2663+10A>G (NM_000321.2).
Identifiers: ClinVar variation 1082139 (VCV001082139.11), dbSNP rs1179685157, ClinGen allele CA609579588.

ClinVar aggregate classification (germline): Likely benign. Review status: criteria provided, multiple submitters, no conflicts (2 of 4 stars). 3 submissions from 3 submitters: Likely benign (2). 1 of the submissions does not count toward it. Last evaluated 2026-06-22.

Conditions:
Retinoblastoma (RB1). Also called: RETINOBLASTOMA, SOMATIC. Identifiers: Orphanet 790, MedGen C0035335, MeSH D012175, MONDO:0008380, OMIM 180200, HP:0009919. Disease mechanism: loss of function. Inheritance: Both sporadic and heritable forms are tested..
RB1-related disorder. Also called: RB1-related condition.

Allele frequency attached by ClinVar (database versions not stated): gnomAD 0.00001; TOPMed 0.00001; gnomAD exomes below 0.00001.
gnomAD v4.1: 3 of 1,613,100 alleles (0.00019%); highest among the groups gnomAD compares: Non-Finnish European, 0.00025%; no homozygotes.

Submissions (3):

Myriad Genetics, Inc.
Classification: Likely benign for Retinoblastoma. Last evaluated: 2026-06-22. Review status: criteria provided, single submitter. Criteria: Myriad Autosomal Dominant, Autosomal Recessive and X-Linked Classification Criteria (2023). Collection method: clinical testing. Allele origin: unknown.
Comment: This variant is considered likely benign. This variant is intronic and is not expected to impact mRNA splicing.

Labcorp Genetics (formerly Invitae), Labcorp
Classification: Likely benign for Retinoblastoma. Last evaluated: 2025-10-20. Review status: criteria provided, single submitter. Criteria: Invitae Variant Classification Sherloc (09022015). Collection method: clinical testing. Allele origin: germline.

PreventionGenetics, part of Exact Sciences
Classification: Likely benign for RB1-related condition. Last evaluated: 2024-05-23. Review status: no assertion criteria provided. Collection method: clinical testing. Allele origin: germline. Not counted in ClinVar's aggregate classification.
Comment: This variant is classified as likely benign based on ACMG/AMP sequence variant interpretation guidelines (Richards et al. 2015 PMID: 25741868, with internal and published modifications).